The following is an entry in ClinVar:

NM_173630.4(RTTN):c.734A>G (p.Lys245Arg)

Gene: RTTN (rotatin; minus strand). Cytogenetic location: 18q22.2.
Variant type: single nucleotide variant.
Coding change: c.734A>G on transcript NM_173630.4 (MANE Select); coding-DNA position 734, A replaced by G.
Protein change: p.Lys245Arg; replaces lysine 245 with arginine.
Molecular consequence: missense variant. On other transcripts: 5 prime UTR variant (1).
Genome position (GRCh38, 1-based): chr18:70,196,608, T>C on the plus strand (A>G on the coding strand, the complement: RTTN is on the minus strand). VCF-style: chr18-70196608-T-C. GRCh37 (hg19) VCF-style: chr18-67863844-T-C.
Other names: c.-1820A>G (NM_001318520.2); short protein forms K245R.
Identifiers: ClinVar variation 130197 (VCV000130197.14), dbSNP rs17082206, ClinGen allele CA155032.

ClinVar aggregate classification (germline): Benign. Review status: criteria provided, multiple submitters, no conflicts (2 of 4 stars). 4 submissions from 4 submitters: Benign (3). 1 of the submissions does not count toward it. Last evaluated 2026-02-04.

Allele frequency attached by ClinVar (database versions not stated): TOPMed 0.09282; gnomAD exomes 0.03197 and 0.32240; 1000 Genomes Project 0.09365; gnomAD 0.40022; ExAC 0.27588; ESP Exome Variant Server 0.08418; 1000 Genomes Project 30x 0.15022.
gnomAD v4.1: 59,689 of 1,485,518 alleles (4%); highest among the groups gnomAD compares: African/African-American, 28%; 2,717 homozygotes.

Submissions (4):

Labcorp Genetics (formerly Invitae), Labcorp
Classification: Benign. Last evaluated: 2026-02-04. Review status: criteria provided, single submitter. Criteria: Invitae Variant Classification Sherloc (09022015). Collection method: clinical testing. Allele origin: germline.

GeneDx
Classification: Benign. Last evaluated: 2016-02-04. Review status: criteria provided, single submitter. Criteria: GeneDx Variant Classification (06012015). Collection method: clinical testing. Allele origin: germline. Affected: yes.
Comment: This variant is considered likely benign or benign based on one or more of the following criteria: it is a conservative change, it occurs at a poorly conserved position in the protein, it is predicted to be benign by multiple in silico algorithms, and/or has population frequency not consistent with disease.

Breakthrough Genomics
Classification: Benign. Review status: criteria provided, single submitter. Criteria: ACMG Guidelines, 2015. Collection method: not provided. Allele origin: germline. Inheritance: Autosomal recessive inheritance. Affected: yes.

Genetic Services Laboratory, University of Chicago
Classification: Likely benign for AllHighlyPenetrant. Review status: no assertion criteria provided. Collection method: clinical testing. Allele origin: germline. Inheritance: Autosomal recessive inheritance. Not counted in ClinVar's aggregate classification.
Comment: Likely benign based on allele frequency in 1000 Genomes Project or ESP global frequency and its presence in a patient with a rare or unrelated disease phenotype. NOT Sanger confirmed.